The following is an entry in ClinVar:

ClinVar aggregate classification (germline): Uncertain significance (1 of 4 stars; one submission).

Submission:

Labcorp Genetics (formerly Invitae), Labcorp
Classification: Uncertain significance. Last evaluated: 2023-11-08. Review status: criteria provided, single submitter. Criteria: Invitae Variant Classification Sherloc (09022015). Collection method: clinical testing. Allele origin: germline.
Comment: This sequence change replaces methionine, which is neutral and non-polar, with leucine, which is neutral and non-polar, at codon 956 of the MTOR protein (p.Met956Leu). This variant is not present in population databases (gnomAD no frequency). This variant has not been reported in the literature in individuals affected with MTOR-related conditions. Advanced modeling of protein sequence and biophysical properties (such as structural, functional, and spatial information, amino acid conservation, physicochemical variation, residue mobility, and thermodynamic stability) performed at Invitae indicates that this missense variant is not expected to disrupt MTOR protein function with a negative predictive value of 95%. In summary, the available evidence is currently insufficient to determine the role of this variant in disease. Therefore, it has been classified as a Variant of Uncertain Significance.

NM_004958.4(MTOR):c.2866A>T (p.Met956Leu)

Gene: MTOR (mechanistic target of rapamycin kinase; minus strand). Cytogenetic location: 1p36.22.
Variant type: single nucleotide variant.
Coding change: c.2866A>T on transcript NM_004958.4 (MANE Select); coding-DNA position 2866, A replaced by T.
Protein change: p.Met956Leu; replaces methionine 956 with leucine.
Molecular consequence: missense variant.
Genome position (GRCh38, 1-based): chr1:11,228,832, T>A on the plus strand (A>T on the coding strand, the complement: MTOR is on the minus strand). VCF-style: chr1-11228832-T-A. GRCh37 (hg19) VCF-style: chr1-11288889-T-A.
Other names: c.2866A>T, p.Met956Leu (NM_001386500.1); c.1618A>T, p.Met540Leu (NM_001386501.1); short protein forms M540L, M956L.
Identifiers: ClinVar variation 3003663 (VCV003003663.3), dbSNP rs2100856032, ClinGen allele CA338379395.